The following is an entry in ClinVar:

NM_199242.3(UNC13D):c.2060G>A (p.Gly687Asp)

Gene: UNC13D (unc-13 homolog D; minus strand). Cytogenetic location: 17q25.1.
Variant type: single nucleotide variant.
Coding change: c.2060G>A on transcript NM_199242.3 (MANE Select); coding-DNA position 2060, G replaced by A.
Protein change: p.Gly687Asp; replaces glycine 687 with aspartic acid.
Molecular consequence: missense variant.
Genome position (GRCh38, 1-based): chr17:75,834,649, C>T on the plus strand (G>A on the coding strand, the complement: UNC13D is on the minus strand). VCF-style: chr17-75834649-C-T. GRCh37 (hg19) VCF-style: chr17-73830730-C-T.
Other names: short protein forms G687D.
Identifiers: ClinVar variation 1035345 (VCV001035345.7), dbSNP rs1054138754, ClinGen allele CA294086452.

ClinVar aggregate classification (germline): Uncertain significance (1 of 4 stars; one submission).

Conditions:
Familial hemophagocytic lymphohistiocytosis 3 (FHL3). Also called: UNC13D-Related Familial Hemophagocytic Lymphohistiocytosis (UNC13D-fHLH). Identifiers: Orphanet 540, MedGen C1837174, MONDO:0012146, OMIM 608898.

Allele frequency attached by ClinVar (database versions not stated): TOPMed below 0.00001.
gnomAD v4.1: 1 of 1,613,808 alleles (0.000062%); no homozygotes.

Submission:

Labcorp Genetics (formerly Invitae), Labcorp
Classification: Uncertain significance for Familial hemophagocytic lymphohistiocytosis 3. Last evaluated: 2025-11-03. Review status: criteria provided, single submitter. Criteria: Invitae Variant Classification Sherloc (09022015). Collection method: clinical testing. Allele origin: germline.
Comment: This sequence change replaces glycine, which is neutral and non-polar, with aspartic acid, which is acidic and polar, at codon 687 of the UNC13D protein (p.Gly687Asp). This variant is not present in population databases (gnomAD no frequency). This variant has not been reported in the literature in individuals affected with UNC13D-related conditions. ClinVar contains an entry for this variant (Variation ID: 1035345). Invitae Evidence Modeling of protein sequence and biophysical properties (such as structural, functional, and spatial information, amino acid conservation, physicochemical variation, residue mobility, and thermodynamic stability) indicates that this missense variant is not expected to disrupt UNC13D protein function with a negative predictive value of 80%. In summary, the available evidence is currently insufficient to determine the role of this variant in disease. Therefore, it has been classified as a Variant of Uncertain Significance.